The following is an entry in ClinVar:

NM_000051.4(ATM):c.6902C>G (p.Ala2301Gly)

Genes: ATM (ATM serine/threonine kinase; plus strand), C11orf65 (chromosome 11 open reading frame 65; minus strand). Cytogenetic location: 11q22.3.
Variant type: single nucleotide variant.
Coding change: c.6902C>G on transcript NM_000051.4 (MANE Select); coding-DNA position 6902, C replaced by G.
Protein change: p.Ala2301Gly; replaces alanine 2301 with glycine.
Molecular consequence: missense variant. On other transcripts: intron variant (2).
Genome position (GRCh38, 1-based): chr11:108,326,152, C>G. VCF-style: chr11-108326152-C-G. GRCh37 (hg19) VCF-style: chr11-108196879-C-G.
Other names: c.6902C>G, p.Ala2301Gly (NM_001351834.2); c.641-17081G>C (NM_001330368.2); c.*38+9068G>C (NM_001351110.2); short protein forms A2301G.
Identifiers: ClinVar variation 4694497 (VCV004694497.1).

ClinVar aggregate classification (germline): Uncertain significance (1 of 4 stars; one submission).

Conditions:
Ataxia-telangiectasia syndrome (AT). Also called: Ataxia-telangiectasia, complementation group D; AT, COMPLEMENTATION GROUP C; ATAXIA-TELANGIECTASIA, COMPLEMENTATION GROUP A; ATAXIA-TELANGIECTASIA, FRESNO VARIANT; Ataxia-telangiectasia; Ataxia-telangiectasia, complementation group E. Identifiers: Orphanet 100, MedGen C0004135, MONDO:0008840, OMIM 208900.

Submission:

Labcorp Genetics (formerly Invitae), Labcorp
Classification: Uncertain significance for Ataxia-telangiectasia syndrome. Last evaluated: 2025-03-23. Review status: criteria provided, single submitter. Criteria: Invitae Variant Classification Sherloc (09022015). Collection method: clinical testing. Allele origin: germline.
Comment: This sequence change replaces alanine, which is neutral and non-polar, with glycine, which is neutral and non-polar, at codon 2301 of the ATM protein (p.Ala2301Gly). This variant is not present in population databases (gnomAD no frequency). This variant has not been reported in the literature in individuals affected with ATM-related conditions. Invitae Evidence Modeling of protein sequence and biophysical properties (such as structural, functional, and spatial information, amino acid conservation, physicochemical variation, residue mobility, and thermodynamic stability) indicates that this missense variant is not expected to disrupt ATM protein function with a negative predictive value of 95%. In summary, the available evidence is currently insufficient to determine the role of this variant in disease. Therefore, it has been classified as a Variant of Uncertain Significance.